The following is an entry in ClinVar:

ClinVar aggregate classification (germline): Uncertain significance (1 of 4 stars; one submission).

Allele frequency attached by ClinVar (database versions not stated): ExAC 0.00003; gnomAD exomes 0.00004; gnomAD 0.00005 and 0.00006; TOPMed 0.00005.
gnomAD v4.1: 49 of 1,613,182 alleles (0.003%); highest among the groups gnomAD compares: Admixed American, 0.022%; no homozygotes.

Submission:

Labcorp Genetics (formerly Invitae), Labcorp
Classification: Uncertain significance. Last evaluated: 2025-10-13. Review status: criteria provided, single submitter. Criteria: Invitae Variant Classification Sherloc (09022015). Collection method: clinical testing. Allele origin: germline.
Comment: This sequence change replaces cysteine, which is neutral and slightly polar, with tyrosine, which is neutral and polar, at codon 705 of the MYO7A protein (p.Cys705Tyr). This variant is present in population databases (rs782639245, gnomAD 0.02%). This variant has not been reported in the literature in individuals affected with MYO7A-related conditions. ClinVar contains an entry for this variant (Variation ID: 1350478). Invitae Evidence Modeling of protein sequence and biophysical properties (such as structural, functional, and spatial information, amino acid conservation, physicochemical variation, residue mobility, and thermodynamic stability) indicates that this missense variant is expected to disrupt MYO7A protein function with a positive predictive value of 95%. In summary, the available evidence is currently insufficient to determine the role of this variant in disease. Therefore, it has been classified as a Variant of Uncertain Significance.

NM_000260.4(MYO7A):c.2114G>A (p.Cys705Tyr)

Gene: MYO7A (myosin VIIA; plus strand). Cytogenetic location: 11q13.5.
Variant type: single nucleotide variant.
Coding change: c.2114G>A on transcript NM_000260.4 (MANE Select); coding-DNA position 2114, G replaced by A.
Protein change: p.Cys705Tyr; replaces cysteine 705 with tyrosine.
Molecular consequence: missense variant.
Genome position (GRCh38, 1-based): chr11:77,175,391, G>A. VCF-style: chr11-77175391-G-A. GRCh37 (hg19) VCF-style: chr11-76886437-G-A.
Other names: c.2114G>A, p.Cys705Tyr (NM_001127180.2); c.2081G>A, p.Cys694Tyr (NM_001369365.1); short protein forms C694Y, C705Y.
Identifiers: ClinVar variation 1350478 (VCV001350478.4), dbSNP rs782639245, ClinGen allele CA6197711.
Genomic context (GRCh38, chr11:77,175,391, plus strand): 5'-AGAGGCTGTCCATTCCCTTGTGTTCCCCATCCTCACTCCAGGGCGACCTCCGCGGGACTT[G>A]CCAGCGCATGGCTGAGGCTGTGCTGGGCACCCACGATGACTGGCAGATAGGCAAAACCAA-3'
Protein context (NP_000251.3, residues 695-715): AYKQGDLRGT[Cys705Tyr]QRMAEAVLGT